The following is an entry in ClinVar:

ClinVar aggregate classification (germline): Uncertain significance (1 of 4 stars; one submission).

Submission:

Labcorp Genetics (formerly Invitae), Labcorp
Classification: Uncertain significance. Last evaluated: 2024-04-20. Review status: criteria provided, single submitter. Criteria: Invitae Variant Classification Sherloc (09022015). Collection method: clinical testing. Allele origin: germline.
Comment: This sequence change replaces arginine, which is basic and polar, with tryptophan, which is neutral and slightly polar, at codon 359 of the AP3D1 protein (p.Arg359Trp). This variant is not present in population databases (gnomAD no frequency). This variant has not been reported in the literature in individuals affected with AP3D1-related conditions. An algorithm developed to predict the effect of missense changes on protein structure and function (PolyPhen-2) suggests that this variant is likely to be disruptive. In summary, the available evidence is currently insufficient to determine the role of this variant in disease. Therefore, it has been classified as a Variant of Uncertain Significance.

NM_001261826.3(AP3D1):c.1075C>T (p.Arg359Trp)

Gene: AP3D1 (adaptor related protein complex 3 subunit delta 1; minus strand). Cytogenetic location: 19p13.3.
Variant type: single nucleotide variant.
Coding change: c.1075C>T on transcript NM_001261826.3 (MANE Select); coding-DNA position 1075, C replaced by T.
Protein change: p.Arg359Trp; replaces arginine 359 with tryptophan.
Molecular consequence: missense variant.
Genome position (GRCh38, 1-based): chr19:2,121,760, G>A on the plus strand (C>T on the coding strand, the complement: AP3D1 is on the minus strand). VCF-style: chr19-2121760-G-A. GRCh37 (hg19) VCF-style: chr19-2121759-G-A.
Other names: c.1075C>T, p.Arg359Trp (NM_001374799.1, NM_003938.8); short protein forms R359W.
Identifiers: ClinVar variation 3650472 (VCV003650472.2).